The following is an entry in ClinVar:

ClinVar aggregate classification (germline): Conflicting classifications of pathogenicity. Review status: criteria provided, conflicting classifications (1 of 4 stars). 2 submissions from 2 submitters: Pathogenic (1); Uncertain significance (1). Last evaluated 2026-08-28.

Conditions:
Inborn genetic diseases. Identifiers: MedGen C0950123, MeSH D030342.
Early-infantile DEE. Also called: Early infantile epileptic encephalopathy; Ohtahara syndrome; Early infantile epileptic encephalopathy with suppression bursts. Identifiers: Orphanet 1934, MedGen C0393706, MONDO:0800491.

Submissions (2):

Ambry Genetics
Classification: Uncertain significance for Inborn genetic diseases. Last evaluated: 2026-08-28. Review status: criteria provided, single submitter. Criteria: Ambry Variant Classification Scheme 2023. Collection method: clinical testing. Allele origin: germline.
Comment: The c.3688C>T (p.L1230F) alteration is located in exon 18 (coding exon 18) of the SCN1A gene. This alteration results from a C to T substitution at nucleotide position 3688, causing the leucine (L) at amino acid position 1230 to be replaced by a phenylalanine (F). This variant was not reported in population-based cohorts in the Genome Aggregation Database (gnomAD). This variant was reported in individual(s) with features consistent with SCN1A-related seizure disorders (Zuberi, 2011; external communication). Other variant(s) at the same codon, c.3689T>C (p.L1230P), have been identified in individual(s) with features consistent with SCN1A-related seizure disorders (Liu, 2018). This amino acid position is highly conserved in available vertebrate species. This alteration is predicted to be deleterious by in silico analysis. Based on insufficient or conflicting evidence, the clinical significance of this alteration remains unclear.

Labcorp Genetics (formerly Invitae), Labcorp
Classification: Pathogenic for Early-infantile DEE. Last evaluated: 2025-12-17. Review status: criteria provided, single submitter. Criteria: Invitae Variant Classification Sherloc (09022015). Collection method: clinical testing. Allele origin: germline.
Comment: This sequence change replaces leucine, which is neutral and non-polar, with phenylalanine, which is neutral and non-polar, at codon 1230 of the SCN1A protein (p.Leu1230Phe). This variant is not present in population databases (gnomAD no frequency). This missense change has been observed in individual(s) with autosomal dominant SCN1A-related seizures (PMID: 21248271; internal data). ClinVar contains an entry for this variant (Variation ID: 1476292). Invitae Evidence Modeling of protein sequence and biophysical properties (such as structural, functional, and spatial information, amino acid conservation, physicochemical variation, residue mobility, and thermodynamic stability) indicates that this missense variant is expected to disrupt SCN1A protein function with a positive predictive value of 95%. This variant disrupts the p.Leu1230 amino acid residue in SCN1A. Other variant(s) that disrupt this residue have been determined to be pathogenic (PMID: 30185235). This suggests that this residue is clinically significant, and that variants that disrupt this residue are likely to be disease-causing. For these reasons, this variant has been classified as Pathogenic.

Literature cited by the submitters: PubMed 21248271 (cited by Ambry Genetics and Labcorp Genetics (formerly Invitae), Labcorp); PubMed 30185235 (cited by Ambry Genetics and Labcorp Genetics (formerly Invitae), Labcorp).

NM_001165963.4(SCN1A):c.3688C>T (p.Leu1230Phe)

Genes: SCN1A (sodium voltage-gated channel alpha subunit 1; minus strand), LOC102724058 (uncharacterized LOC102724058; plus strand). Cytogenetic location: 2q24.3.
Variant type: single nucleotide variant.
Coding change: c.3688C>T on transcript NM_001165963.4 (MANE Select); coding-DNA position 3688, C replaced by T.
Protein change: p.Leu1230Phe; replaces leucine 1230 with phenylalanine.
Molecular consequence: missense variant. On other transcripts: non-coding transcript variant (1).
Genome position (GRCh38, 1-based): chr2:166,013,761, G>A on the plus strand (C>T on the coding strand, the complement: SCN1A is on the minus strand). VCF-style: chr2-166013761-G-A. GRCh37 (hg19) VCF-style: chr2-166870271-G-A.
Other names: c.3604C>T, p.Leu1202Phe (NM_001165964.3, NM_001353957.2, NM_001353958.2); c.3688C>T, p.Leu1230Phe (NM_001202435.3, NM_001353948.2); c.3655C>T, p.Leu1219Phe (NM_001353949.2, NM_001353950.2, NM_001353951.2 and 2 more transcripts); c.3652C>T, p.Leu1218Phe (NM_001353954.2, NM_001353955.2); c.3601C>T, p.Leu1201Phe (NM_001353960.2); c.1246C>T, p.Leu416Phe (NM_001353961.2); c.3688C>T (NM_001165963.1); short protein forms L1201F, L1219F, L416F, L1230F, L1202F, L1218F.
Identifiers: ClinVar variation 1476292 (VCV001476292.10), dbSNP rs2105609699, ClinGen allele CA349055702.